The following is an entry in ClinVar:

NM_001276345.2(TNNT2):c.275G>C (p.Gly92Ala)

Gene: TNNT2 (troponin T2, cardiac type; minus strand). Cytogenetic location: 1q32.1.
Variant type: single nucleotide variant.
Coding change: c.275G>C on transcript NM_001276345.2 (MANE Select); coding-DNA position 275, G replaced by C.
Protein change: p.Gly92Ala; replaces glycine 92 with alanine.
Molecular consequence: missense variant.
Genome position (GRCh38, 1-based): chr1:201,365,629, C>G on the plus strand (G>C on the coding strand, the complement: TNNT2 is on the minus strand). VCF-style: chr1-201365629-C-G. GRCh37 (hg19) VCF-style: chr1-201334757-C-G.
Other names: c.275G>C, p.Gly92Ala (NM_000364.4, NM_001406723.1); c.245G>C, p.Gly82Ala (NM_001001430.3, NM_001001431.3, NM_001276347.2 and 3 more transcripts); c.230G>C, p.Gly77Ala (NM_001001432.3, NM_001406728.1); c.272G>C, p.Gly91Ala (NM_001276346.2); c.242G>C, p.Gly81Ala (NM_001406725.1); short protein forms G77A, G81A, G82A, G91A, G92A.
Identifiers: ClinVar variation 4789270 (VCV004789270.1).

ClinVar aggregate classification (germline): Uncertain significance (1 of 4 stars; one submission).

Conditions:
Hypertrophic cardiomyopathy 2. Also called: TNNT2-Related Familial Hypertrophic Cardiomyopathy. Identifiers: MedGen C1861864, MONDO:0007266, OMIM 115195.
Dilated cardiomyopathy 1D. Identifiers: Orphanet 154, Orphanet 54260, MedGen C1832243, MONDO:0011095, OMIM 601494.
Cardiomyopathy, familial restrictive, 3. Identifiers: Orphanet 75249, MedGen C2676271, MONDO:0012900, OMIM 612422.

Submission:

Labcorp Genetics (formerly Invitae), Labcorp
Classification: Uncertain significance for Cardiomyopathy, familial restrictive, 3; Hypertrophic cardiomyopathy 2; Dilated cardiomyopathy 1D. Last evaluated: 2025-02-03. Review status: criteria provided, single submitter. Criteria: Invitae Variant Classification Sherloc (09022015). Collection method: clinical testing. Allele origin: germline.
Comment: This sequence change replaces glycine, which is neutral and non-polar, with alanine, which is neutral and non-polar, at codon 82 of the TNNT2 protein (p.Gly82Ala). This variant is not present in population databases (gnomAD no frequency). This missense change has been observed in individual(s) with hypertrophic cardiomyopathy (PMID: 37652022). This variant is also known as c.275G>C. Invitae Evidence Modeling of protein sequence and biophysical properties (such as structural, functional, and spatial information, amino acid conservation, physicochemical variation, residue mobility, and thermodynamic stability) has been performed for this missense variant. However, the output from this modeling did not meet the statistical confidence thresholds required to predict the impact of this variant on TNNT2 protein function. In summary, the available evidence is currently insufficient to determine the role of this variant in disease. Therefore, it has been classified as a Variant of Uncertain Significance.

Literature cited by the submitters: PubMed 37652022.